The following is an entry in ClinVar:

ClinVar aggregate classification (germline): Conflicting classifications of pathogenicity. Review status: criteria provided, conflicting classifications (1 of 4 stars). 4 submissions from 4 submitters: Likely pathogenic (1); Uncertain significance (2). 1 of the submissions does not count toward it. Last evaluated 2024-03-05.

Conditions:
Atrial fibrillation, familial, 13 (ATFB13). Identifiers: MedGen C3809311, MONDO:0014155, OMIM 615377.
Brugada syndrome 5 (BRGDA5). Identifiers: Orphanet 130, Orphanet 871, MedGen C2748541, MONDO:0013015, OMIM 612838.

Allele frequency attached by ClinVar (database versions not stated): TOPMed below 0.00001; gnomAD exomes 0.00001 and 0.00003.
gnomAD v4.1: 44 of 1,612,708 alleles (0.0027%); highest among the groups gnomAD compares: Non-Finnish European, 0.0036%; no homozygotes.

Submissions (4):

Labcorp Genetics (formerly Invitae), Labcorp
Classification: Likely pathogenic for Brugada syndrome 5. Last evaluated: 2024-03-05. Review status: criteria provided, single submitter. Criteria: Invitae Variant Classification Sherloc (09022015). Collection method: clinical testing. Allele origin: germline.
Comment: This sequence change creates a premature translational stop signal (p.Trp179*) in the SCN1B gene. While this is not anticipated to result in nonsense mediated decay, it is expected to disrupt the last 90 amino acid(s) of the SCN1B protein. This variant is present in population databases (rs267607028, gnomAD 0.002%). This premature translational stop signal has been observed in individual(s) with Brugada syndrome, sudden arrythmic death syndrome and progressive familial heart block type 1 (PMID: 18464934, 22247482, 28449774, 29758173). ClinVar contains an entry for this variant (Variation ID: 9254). Algorithms developed to predict the effect of variants on protein structure and function are not available or were not evaluated for this variant. Experimental studies have shown that this premature translational stop signal affects SCN1B function (PMID: 18464934). This variant disrupts a region of the SCN1B protein in which other variant(s) (p.Pro184Leu) have been observed in individuals with SCN1B-related conditions (Invitae). This suggests that this is a clinically significant region of the protein, and that variants that disrupt it are likely to be disease-causing. In summary, the currently available evidence indicates that the variant is pathogenic, but additional data are needed to prove that conclusively. Therefore, this variant has been classified as Likely Pathogenic.

GeneDx
Classification: Uncertain significance. Last evaluated: 2023-01-26. Review status: criteria provided, single submitter. Criteria: GeneDx Variant Classification Process June 2021. Collection method: clinical testing. Allele origin: germline. Affected: yes.
Comment: Reported using an alternate transcript of the gene; Not observed at significant frequency in large population cohorts (gnomAD); Nonsense variant predicted to result in protein truncation as the last 90 amino acids are lost, although loss-of-function variants have not been reported downstream of this position in the protein; This variant is associated with the following publications: (PMID: 34426522, 31737628, 29758173, 28449774, 22247482, 18464934)

Victorian Clinical Genetics Services, Murdoch Childrens Research Institute
Classification: Uncertain significance for Atrial fibrillation, familial, 13. Last evaluated: 2021-05-06. Review status: criteria provided, single submitter. Criteria: ACMG Guidelines, 2015. Collection method: clinical testing. Allele origin: germline.
Comment: Based on the classification scheme VCGS_Germline_v1.3.4, this variant is classified as 3B-VUS. Following criteria are met: 0102 - Loss of function is a known mechanism of disease in this gene. (I) 0108 - This gene is associated with both recessive and dominant disease. The association of SCN1B and Brugada syndrome is disputed by ClinGen and PanelApp. This gene has been reported to be associated with both recessive and dominant epilepsy (OMIM). (I) 0204 - Variant is predicted to result in a truncated protein (premature termination codon is NOT located at least 54 nucleotides upstream of the final exon-exon junction) with at least 1/3 of the protein sequence affected. (SP) 0219 - This variant is non-coding in an alternative transcript. This variant is non-coding in the main transcript expressed in the heart (NM_001037). This variant is coding in an isoform that is expressed in the brain (GTEx). (I) 0251 - This variant is heterozygous. (I) 0302 - Variant is present in gnomAD (v2) <0.001 for a dominant condition (2 heterozygotes, 0 homozygotes). (SP) 0710 – Other truncating variants comparable to the one identified in this case have inconclusive previous evidence for pathogenicity. Four truncating variants downstream of this variant have been reported as VUS in ClinVar. (I) 0808 - Previous reports of pathogenicity for this variant are conflicting. This variant has been identified in a patient who suffered a sudden arrhythmic death (PMID: 28449774) and has been reported in patients with Brugada syndrome and cardiac conduction abnormalities (PMID: 18464934). Additionally, this variant has two VUS entries in ClinVar. (I) 1002 - Moderate functional evidence supporting abnormal protein function. Patch clamp functional analysis indicates that this variant abolishes the gating modulation of the Nav1.5 channel (PMID: 18464934). However, patch clamp assays have been shown to be unreliable, therefore results from these studies are used with caution during variant classification. (I) 1208 - Inheritance information for this variant is not currently available in this individual. (I) Legend: (SP) - Supporting pathogenic, (I) - Information, (SB) - Supporting benign

OMIM
Classification: Pathogenic for BRUGADA SYNDROME 5. Last evaluated: 2008-06-01. Review status: no assertion criteria provided. Collection method: literature only. Allele origin: germline. Not counted in ClinVar's aggregate classification.

Literature cited by the submitters: PubMed 18464934 (cited by 3 submitters); PubMed 22247482 (cited by Labcorp Genetics (formerly Invitae), Labcorp); PubMed 28449774 (cited by Labcorp Genetics (formerly Invitae), Labcorp and Victorian Clinical Genetics Services, Murdoch Childrens Research Institute); PubMed 29758173 (cited by Labcorp Genetics (formerly Invitae), Labcorp).

NM_001037.5(SCN1B):c.448+88G>A

Gene: SCN1B (sodium voltage-gated channel beta subunit 1; plus strand). Cytogenetic location: 19q13.11.
Variant type: single nucleotide variant.
Coding change: c.448+88G>A on transcript NM_001037.5 (MANE Select); 88 bases into the intron after coding-DNA position 448, G replaced by A.
Molecular consequence: intron variant. On other transcripts: nonsense (1).
Genome position (GRCh38, 1-based): chr19:35,033,827, G>A. VCF-style: chr19-35033827-G-A. GRCh37 (hg19) VCF-style: chr19-35524731-G-A.
Other names: SCN1B, 536G-A, TRP179TER; p.W179*:TGG>TAG; c.536G>A (NM_199037.4); c.536G>A, p.Trp179Ter (NM_199037.5); c.349+88G>A (NM_001321605.2); short protein forms W179*.
Identifiers: ClinVar variation 9254 (VCV000009254.22), dbSNP rs267607028, ClinGen allele CA254717.